The following is an entry in ClinVar:

ClinVar aggregate classification (germline): Uncertain significance (1 of 4 stars; one submission).

Submission:

Labcorp Genetics (formerly Invitae), Labcorp
Classification: Uncertain significance. Last evaluated: 2021-11-13. Review status: criteria provided, single submitter. Criteria: Invitae Variant Classification Sherloc (09022015). Collection method: clinical testing. Allele origin: germline.
Comment: This variant has not been reported in the literature in individuals affected with KIF11-related conditions. This variant is not present in population databases (gnomAD no frequency). This sequence change replaces alanine, which is neutral and non-polar, with valine, which is neutral and non-polar, at codon 224 of the KIF11 protein (p.Ala224Val). Algorithms developed to predict the effect of missense changes on protein structure and function (SIFT, PolyPhen-2, Align-GVGD) all suggest that this variant is likely to be disruptive. In summary, the available evidence is currently insufficient to determine the role of this variant in disease. Therefore, it has been classified as a Variant of Uncertain Significance.

NM_004523.4(KIF11):c.671C>T (p.Ala224Val)

Gene: KIF11 (kinesin family member 11; plus strand). Cytogenetic location: 10q23.33.
Variant type: single nucleotide variant.
Coding change: c.671C>T on transcript NM_004523.4 (MANE Select); coding-DNA position 671, C replaced by T.
Protein change: p.Ala224Val; replaces alanine 224 with valine.
Molecular consequence: missense variant.
Genome position (GRCh38, 1-based): chr10:92,609,482, C>T. VCF-style: chr10-92609482-C-T. GRCh37 (hg19) VCF-style: chr10-94369239-C-T.
Other names: short protein forms A224V.
Identifiers: ClinVar variation 1393097 (VCV001393097.6), dbSNP rs2135902944, ClinGen allele CA377589884.